The following is an entry in ClinVar:

NM_000321.3(RB1):c.2122A>C (p.Met708Leu)

Gene: RB1 (RB transcriptional corepressor 1; plus strand). Cytogenetic location: 13q14.2.
Variant type: single nucleotide variant.
Coding change: c.2122A>C on transcript NM_000321.3 (MANE Select); coding-DNA position 2122, A replaced by C.
Protein change: p.Met708Leu; replaces methionine 708 with leucine.
Molecular consequence: missense variant.
Genome position (GRCh38, 1-based): chr13:48,463,746, A>C. VCF-style: chr13-48463746-A-C. GRCh37 (hg19) VCF-style: chr13-49037882-A-C.
Other names: c.2122A>C, p.Met708Leu (NM_001407165.1); short protein forms M708L.
Identifiers: ClinVar variation 2056608 (VCV002056608.4), dbSNP rs2138342278, ClinGen allele CA388167032.
Genomic context (GRCh38, chr13:48,463,746, plus strand): 5'-CATGTAATAAAATTCTGACTACTTTTACATCAATTTATTTACTAGATTATGATGTGTTCC[A>C]TGTATGGCATATGCAAAGTGAAGAATATAGACCTTAAATTCAAAATCATTGTAACAGCAT-3'
Protein context (NP_000312.2, residues 698-718): RHLDQIMMCS[Met708Leu]YGICKVKNID

ClinVar aggregate classification (germline): Uncertain significance (1 of 4 stars; one submission).

Conditions:
Retinoblastoma (RB1). Also called: RETINOBLASTOMA, SOMATIC. Identifiers: Orphanet 790, MedGen C0035335, MeSH D012175, MONDO:0008380, OMIM 180200, HP:0009919. Disease mechanism: loss of function. Inheritance: Both sporadic and heritable forms are tested..

Submission:

Labcorp Genetics (formerly Invitae), Labcorp
Classification: Uncertain significance for Retinoblastoma. Last evaluated: 2021-12-24. Review status: criteria provided, single submitter. Criteria: Invitae Variant Classification Sherloc (09022015). Collection method: clinical testing. Allele origin: germline.
Comment: In summary, the available evidence is currently insufficient to determine the role of this variant in disease. Therefore, it has been classified as a Variant of Uncertain Significance. Algorithms developed to predict the effect of missense changes on protein structure and function are either unavailable or do not agree on the potential impact of this missense change (SIFT: "Deleterious"; PolyPhen-2: "Probably Damaging"; Align-GVGD: "Class C0"). This variant has not been reported in the literature in individuals affected with RB1-related conditions. This variant is not present in population databases (gnomAD no frequency). This sequence change replaces methionine, which is neutral and non-polar, with leucine, which is neutral and non-polar, at codon 708 of the RB1 protein (p.Met708Leu).